The following is an entry in ClinVar:

ClinVar aggregate classification (germline): Uncertain significance (1 of 4 stars; one submission).

Conditions:
Long QT syndrome (LQTS). Identifiers: MedGen C0023976, MeSH D008133, MONDO:0002442. Disease mechanism: loss of function. Inheritance: Various modes of inheritance.

Submission:

Labcorp Genetics (formerly Invitae), Labcorp
Classification: Uncertain significance for Long QT syndrome. Last evaluated: 2023-03-14. Review status: criteria provided, single submitter. Criteria: Invitae Variant Classification Sherloc (09022015). Collection method: clinical testing. Allele origin: germline.
Comment: In summary, the available evidence is currently insufficient to determine the role of this variant in disease. Therefore, it has been classified as a Variant of Uncertain Significance. An algorithm developed to predict the effect of missense changes on protein structure and function (PolyPhen-2) suggests that this variant is likely to be disruptive. This variant has not been reported in the literature in individuals affected with AKAP9-related conditions. This variant is not present in population databases (gnomAD no frequency). This sequence change replaces leucine, which is neutral and non-polar, with phenylalanine, which is neutral and non-polar, at codon 3206 of the AKAP9 protein (p.Leu3206Phe).

NM_005751.5(AKAP9):c.9616C>T (p.Leu3206Phe)

Gene: AKAP9 (A-kinase anchoring protein 9; plus strand). Cytogenetic location: 7q21.2.
Variant type: single nucleotide variant.
Coding change: c.9616C>T on transcript NM_005751.5 (MANE Select); coding-DNA position 9616, C replaced by T.
Protein change: p.Leu3206Phe; replaces leucine 3206 with phenylalanine.
Molecular consequence: missense variant.
Genome position (GRCh38, 1-based): chr7:92,095,060, C>T. VCF-style: chr7-92095060-C-T. GRCh37 (hg19) VCF-style: chr7-91724374-C-T.
Other names: c.4261C>T, p.Leu1421Phe (NM_001379277.1); c.9592C>T, p.Leu3198Phe (NM_147185.3); short protein forms L3206F, L3198F, L1421F.
Identifiers: ClinVar variation 2841030 (VCV002841030.3), dbSNP rs2535294754, ClinGen allele CA368149235.